The following is an entry in ClinVar:

NM_032357.4(VMA22):c.451A>T (p.Ile151Leu)

Gene: VMA22 (vacuolar ATPase assembly factor VMA22; minus strand). Cytogenetic location: 2q21.1.
Variant type: single nucleotide variant.
Coding change: c.451A>T on transcript NM_032357.4 (MANE Select); coding-DNA position 451, A replaced by T.
Protein change: p.Ile151Leu; replaces isoleucine 151 with leucine.
Molecular consequence: missense variant. On other transcripts: non-coding transcript variant (2).
Genome position (GRCh38, 1-based): chr2:130,339,212, T>A on the plus strand (A>T on the coding strand, the complement: VMA22 is on the minus strand). VCF-style: chr2-130339212-T-A. GRCh37 (hg19) VCF-style: chr2-131096785-T-A.
Other names: c.436A>T, p.Ile146Leu (NM_001321118.1); c.427A>T, p.Ile143Leu (NM_001321119.2); short protein forms I143L, I146L, I151L.
Identifiers: ClinVar variation 4056494 (VCV004056494.1).

ClinVar aggregate classification (germline): Uncertain significance (1 of 4 stars; one submission).

Conditions:
CCDC115-CDG. Also called: CONGENITAL DISORDER OF GLYCOSYLATION, TYPE IIo; CDG IIo. Identifiers: Orphanet 468684, MedGen C4225191, MONDO:0014789, OMIM 616828.

Submission:

Laboratorio de Genetica e Diagnostico Molecular, Hospital Israelita Albert Einstein
Classification: Uncertain significance for CCDC115-CDG. Last evaluated: 2024-07-14. Review status: criteria provided, single submitter. Criteria: ACMG Guidelines, 2015. Collection method: clinical testing. Allele origin: germline. Affected: yes.
Comment: ACMG classification criteria: PM2 supporting, BP4 supporting